The following is an entry in ClinVar:

NM_031483.7(ITCH):c.908A>G (p.Tyr303Cys)

Gene: ITCH (itchy E3 ubiquitin protein ligase; plus strand). Cytogenetic location: 20q11.22.
Variant type: single nucleotide variant.
Coding change: c.908A>G on transcript NM_031483.7 (MANE Select); coding-DNA position 908, A replaced by G.
Protein change: p.Tyr303Cys; replaces tyrosine 303 with cysteine.
Molecular consequence: missense variant.
Genome position (GRCh38, 1-based): chr20:34,442,246, A>G. VCF-style: chr20-34442246-A-G. GRCh37 (hg19) VCF-style: chr20-33030051-A-G.
Other names: c.1031A>G, p.Tyr344Cys (NM_001257137.3, NM_001324197.2); c.578A>G, p.Tyr193Cys (NM_001257138.3); c.908A>G, p.Tyr303Cys (NM_001324198.2); short protein forms Y193C, Y344C, Y303C.
Identifiers: ClinVar variation 655936 (VCV000655936.7), dbSNP rs771764384, ClinGen allele CA9821471.

ClinVar aggregate classification (germline): Uncertain significance (1 of 4 stars; one submission).

Conditions:
Syndromic multisystem autoimmune disease due to ITCH deficiency. Also called: AUTOIMMUNE DISEASE, MULTISYSTEM, WITH FACIAL DYSMORPHISM. Identifiers: Orphanet 228426, MedGen C3150649, MONDO:0013245, OMIM 613385.

Allele frequency attached by ClinVar (database versions not stated): gnomAD exomes below 0.00001 and 0.00001; ExAC 0.00001.
gnomAD v4.1: 2 of 1,614,088 alleles (0.00012%); highest among the groups gnomAD compares: Non-Finnish European, 0.000085%; no homozygotes.

Submission:

Labcorp Genetics (formerly Invitae), Labcorp
Classification: Uncertain significance for Syndromic multisystem autoimmune disease due to ITCH deficiency. Last evaluated: 2018-10-29. Review status: criteria provided, single submitter. Criteria: Invitae Variant Classification Sherloc (09022015). Collection method: clinical testing. Allele origin: germline.
Comment: Algorithms developed to predict the effect of missense changes on protein structure and function (SIFT, PolyPhen-2, Align-GVGD) all suggest that this variant is likely to be disruptive, but these predictions have not been confirmed by published functional studies and their clinical significance is uncertain. This variant is present in population databases (rs771764384, ExAC 0.002%). This variant has not been reported in the literature in individuals with ITCH-related disease. In summary, the available evidence is currently insufficient to determine the role of this variant in disease. Therefore, it has been classified as a Variant of Uncertain Significance. This sequence change replaces tyrosine with cysteine at codon 303 of the ITCH protein (p.Tyr303Cys). The tyrosine residue is highly conserved and there is a large physicochemical difference between tyrosine and cysteine.